The following is an entry in ClinVar:

NM_015662.3(IFT172):c.910-2A>G

Gene: IFT172 (intraflagellar transport 172; minus strand). Cytogenetic location: 2p23.3.
Variant type: single nucleotide variant.
Coding change: c.910-2A>G on transcript NM_015662.3 (MANE Select); the canonical splice acceptor site of the intron before coding-DNA position 910, A replaced by G.
Molecular consequence: splice acceptor variant.
Genome position (GRCh38, 1-based): chr2:27,479,606, T>C on the plus strand (A>G on the coding strand, the complement: IFT172 is on the minus strand). VCF-style: chr2-27479606-T-C. GRCh37 (hg19) VCF-style: chr2-27702473-T-C.
Other names: c.910-2A>G (NM_001410739.1).
Identifiers: ClinVar variation 1066130 (VCV001066130.7), dbSNP rs2148546998, ClinGen allele CA346396688.

ClinVar aggregate classification (germline): Likely pathogenic (1 of 4 stars; one submission).

Conditions:
Short-rib thoracic dysplasia 10 with or without polydactyly (SRTD10). Identifiers: Orphanet 474, MedGen C3810175, MONDO:0014284, OMIM 615630.
Retinitis pigmentosa 71 (RP71). Identifiers: Orphanet 791, MedGen C4225342, MONDO:0014618, OMIM 616394.

Submission:

Labcorp Genetics (formerly Invitae), Labcorp
Classification: Likely pathogenic for Retinitis pigmentosa 71; Short-rib thoracic dysplasia 10 with or without polydactyly. Last evaluated: 2021-06-24. Review status: criteria provided, single submitter. Criteria: Invitae Variant Classification Sherloc (09022015). Collection method: clinical testing. Allele origin: germline.
Comment: This sequence change affects an acceptor splice site in intron 9 of the IFT172 gene. It is expected to disrupt RNA splicing and likely results in an absent or disrupted protein product. This variant is not present in population databases (ExAC no frequency). This variant has not been reported in the literature in individuals with IFT172-related conditions. Algorithms developed to predict the effect of sequence changes on RNA splicing suggest that this variant may disrupt the consensus splice site, but this prediction has not been confirmed by published transcriptional studies. Donor and acceptor splice site variants typically lead to a loss of protein function (PMID: 16199547), and loss-of-function variants in IFT172 are known to be pathogenic (PMID: 24140113). In summary, the currently available evidence indicates that the variant is pathogenic, but additional data are needed to prove that conclusively. Therefore, this variant has been classified as Likely Pathogenic.

Literature cited by the submitters: PubMed 16199547; PubMed 24140113.